The following is an entry in ClinVar:

ClinVar aggregate classification (germline): Uncertain significance (1 of 4 stars; one submission).

Conditions:
Inborn genetic diseases. Identifiers: MedGen C0950123, MeSH D030342.

Allele frequency attached by ClinVar (database versions not stated): gnomAD exomes below 0.00001.
gnomAD v4.1: 5 of 1,613,448 alleles (0.00031%); highest among the groups gnomAD compares: Admixed American, 0.0033%; no homozygotes.

Submission:

Ambry Genetics
Classification: Uncertain significance for Inborn genetic diseases. Last evaluated: 2021-03-25. Review status: criteria provided, single submitter. Criteria: Ambry Variant Classification Scheme 2023. Collection method: clinical testing. Allele origin: germline.
Comment: The c.1457G>A (p.G486E) alteration is located in exon 11 (coding exon 11) of the WDR62 gene. This alteration results from a G to A substitution at nucleotide position 1457, causing the glycine (G) at amino acid position 486 to be replaced by a glutamic acid (E). The p.G486E alteration is predicted to be tolerated by in silico analysis. Based on insufficient or conflicting evidence, the clinical significance of this alteration remains unclear.

NM_001083961.2(WDR62):c.1457G>A (p.Gly486Glu)

Gene: WDR62 (WD repeat domain 62; plus strand). Cytogenetic location: 19q13.12.
Variant type: single nucleotide variant.
Coding change: c.1457G>A on transcript NM_001083961.2 (MANE Select); coding-DNA position 1457, G replaced by A.
Protein change: p.Gly486Glu; replaces glycine 486 with glutamic acid.
Molecular consequence: missense variant.
Genome position (GRCh38, 1-based): chr19:36,083,148, G>A. VCF-style: chr19-36083148-G-A. GRCh37 (hg19) VCF-style: chr19-36574050-G-A.
Other names: c.1442G>A, p.Gly481Glu (NM_001411145.1); c.1457G>A, p.Gly486Glu (NM_001411146.1, NM_173636.5); c.1106G>A, p.Gly369Glu (NM_001411147.1); short protein forms G481E, G486E, G369E.
Identifiers: ClinVar variation 2229722 (VCV002229722.2), dbSNP rs1283389801, ClinGen allele CA405437224.
Genomic context (GRCh38, chr19:36,083,148, plus strand): 5'-AGAATGACATCCAGCACCTGCAGGACATGTCACACTTCCCAGACCGGGGGAGCGAGAATG[G>A]GACACCCATGGACGTGAAAGCCGGGGTGCGGGTCATGCAGGTCAGTCCTGACGGCCAGCA-3'
Protein context (NP_001077430.1, residues 476-496): SHFPDRGSEN[Gly486Glu]TPMDVKAGVR